The following is an entry in ClinVar:

NM_001401501.2(MUC16):c.7421C>T (p.Thr2474Ile)

Gene: MUC16 (mucin 16, cell surface associated; minus strand). Cytogenetic location: 19p13.2.
Variant type: single nucleotide variant.
Coding change: c.7421C>T on transcript NM_001401501.2 (MANE Select); coding-DNA position 7421, C replaced by T.
Protein change: p.Thr2474Ile; replaces threonine 2474 with isoleucine.
Molecular consequence: missense variant.
Genome position (GRCh38, 1-based): chr19:8,973,838, G>A on the plus strand (C>T on the coding strand, the complement: MUC16 is on the minus strand). VCF-style: chr19-8973838-G-A. GRCh37 (hg19) VCF-style: chr19-9084514-G-A.
Other names: c.7847C>T, p.Thr2616Ile (NM_001414686.1); c.7301C>T, p.Thr2434Ile (NM_001414687.1, NM_024690.2); short protein forms T2434I, T2474I, T2616I.
Identifiers: ClinVar variation 2672743 (VCV002672743.23), dbSNP rs182082757, ClinGen allele CA9172222.
Genomic context (GRCh38, chr19:8,973,838, plus strand): 5'-GTAAAGGGTGGTAAAGTGGATGGAGTGCCACCCACATTGGAGCCCCCATCAAGAGAATAG[G>A]TGTTACTGGAAACAGATGGAGAGGTGGCTGTATTTGTCTCTGTTGTAGATGTGGGAACCT-3'
Protein context (NP_001388430.1, residues 2464-2484): TATSPSVSSN[Thr2474Ile]YSLDGGSNVG

ClinVar aggregate classification (germline): Likely benign (1 of 4 stars; one submission).

Allele frequency attached by ClinVar (database versions not stated): 1000 Genomes Project 0.00040; ESP Exome Variant Server 0.00048; gnomAD 0.00048; ExAC 0.00057; 1000 Genomes Project 30x 0.00062; TOPMed 0.00087.

Submission:

CeGaT Center for Human Genetics Tuebingen
Classification: Likely benign. Last evaluated: 2023-11-01. Review status: criteria provided, single submitter. Criteria: CeGaT Center For Human Genetics Tuebingen Variant Classification Criteria Version 2. Collection method: clinical testing. Allele origin: germline. Affected: yes. Observed: 1 variant allele.
Comment: MUC16: BP4